The following is an entry in ClinVar:

NM_002692.4(POLE2):c.315del (p.Lys105fs)

Gene: POLE2 (DNA polymerase epsilon 2, accessory subunit; minus strand). Cytogenetic location: 14q21.3.
Variant type: Deletion.
Coding change: c.315del on transcript NM_002692.4 (MANE Select); coding-DNA position 315, one base deleted (A; older notation c.315delA).
Protein change: p.Lys105fs; shifts the reading frame from lysine 105.
Molecular consequence: frameshift variant. On other transcripts: intron variant (1).
Genome position (GRCh38, 1-based): chr14:49,674,358, T deleted on the plus strand (A on the coding strand, the reverse complement: POLE2 is on the minus strand); the first of 7 consecutive T bases (chr14:49,674,358-49,674,364); deleting any one gives the same sequence. VCF-style (leftmost placement, unchanged base first): chr14-49674357-AT-A. GRCh37 (hg19) VCF-style: chr14-50141075-AT-A.
Other names: c.315del, p.Lys105fs (NM_001197331.3, NM_001348384.2); c.84del, p.Lys28fs (NM_001348385.2); c.246-142del (NM_001197330.2); short protein forms K28fs, K105fs.
Identifiers: ClinVar variation 1918148 (VCV001918148.5), dbSNP rs1415369976, ClinGen allele CA613834673.

ClinVar aggregate classification (germline): Uncertain significance (1 of 4 stars; one submission).

Submission:

Labcorp Genetics (formerly Invitae), Labcorp
Classification: Uncertain significance. Last evaluated: 2022-02-20. Review status: criteria provided, single submitter. Criteria: Invitae Variant Classification Sherloc (09022015). Collection method: clinical testing. Allele origin: germline.
Comment: This sequence change creates a premature translational stop signal (p.Lys105Asnfs*6) in the POLE2 gene. It is expected to result in an absent or disrupted protein product. However, the current clinical and genetic evidence is not sufficient to establish whether loss-of-function variants in POLE2 cause disease. This variant is not present in population databases (gnomAD no frequency). This variant has not been reported in the literature in individuals affected with POLE2-related conditions. Experimental studies and prediction algorithms are not available or were not evaluated, and the functional significance of this variant is currently unknown. In summary, the available evidence is currently insufficient to determine the role of this variant in disease. Therefore, it has been classified as a Variant of Uncertain Significance.